The following is an entry in ClinVar:

Conditions:
Long QT syndrome 5 (LQT5). Identifiers: Orphanet 101016, Orphanet 768, MedGen C1867904, MONDO:0013372, OMIM 613695.

Submission:

Roden Lab, Vanderbilt University Medical Center
No classification provided (evidence only). Condition: Long QT syndrome 5. Review status: no classification provided. Collection method: in vitro. Allele origin: not applicable. Functional consequence: Effect on ion channel function.
ClinVar note: "not provided" was previously submitted as the classification for the variant. However, the classification appeared to be based only on an observation of functional data so it was converted to no classification on 2025-07-30.

NM_000219.6(KCNE1):c.26T>C (p.Val9Ala)

Gene: KCNE1 (potassium voltage-gated channel subfamily E regulatory subunit 1; minus strand). Cytogenetic location: 21q22.12.
Variant type: single nucleotide variant.
Coding change: c.26T>C on transcript NM_000219.6 (MANE Select); coding-DNA position 26, T replaced by C.
Protein change: p.Val9Ala; replaces valine 9 with alanine.
Molecular consequence: missense variant.
Genome position (GRCh38, 1-based): chr21:34,449,609, A>G on the plus strand (T>C on the coding strand, the complement: KCNE1 is on the minus strand). VCF-style: chr21-34449609-A-G. GRCh37 (hg19) VCF-style: chr21-35821907-A-G.
Other names: c.26T>C, p.Val9Ala (NM_001127668.4, NM_001127669.4, NM_001127670.4 and 4 more transcripts); short protein forms V9A.
Identifiers: ClinVar variation 3374473 (VCV003374473.2).